The following is an entry in ClinVar:

NM_015158.5(KANK1):c.3842A>G (p.Glu1281Gly)

Gene: KANK1 (KN motif and ankyrin repeat domains 1; plus strand). Cytogenetic location: 9p24.3.
Variant type: single nucleotide variant.
Coding change: c.3842A>G on transcript NM_015158.5 (MANE Select); coding-DNA position 3842, A replaced by G.
Protein change: p.Glu1281Gly; replaces glutamic acid 1281 with glycine.
Molecular consequence: missense variant. On other transcripts: non-coding transcript variant (1).
Genome position (GRCh38, 1-based): chr9:742,350, A>G. VCF-style: chr9-742350-A-G. GRCh37 (hg19) VCF-style: chr9-742350-A-G.
Other names: c.3842A>G, p.Glu1281Gly (NM_001256876.3, NM_001256877.3, NM_001354334.2); c.3602A>G, p.Glu1201Gly (NM_001354331.2); c.3788A>G, p.Glu1263Gly (NM_001354332.2); c.3368A>G, p.Glu1123Gly (NM_001354333.2, NM_001354335.2, NM_001354337.2 and 2 more transcripts); c.3074A>G, p.Glu1025Gly (NM_001354336.2); c.3314A>G, p.Glu1105Gly (NM_001354338.2, NM_001354340.2, NM_001354344.2); c.3128A>G, p.Glu1043Gly (NM_001354339.2, NM_001354342.2, NM_001354343.2); short protein forms E1043G, E1201G, E1105G, E1263G, E1123G, E1281G, E1025G.
Identifiers: ClinVar variation 1478897 (VCV001478897.10), dbSNP rs139624364, ClinGen allele CA4961195.

ClinVar aggregate classification (germline): Uncertain significance. Review status: criteria provided, multiple submitters, no conflicts (2 of 4 stars). 3 submissions from 3 submitters: Uncertain significance (3). Last evaluated 2025-10-30.

Conditions:
Cerebral palsy, spastic quadriplegic, 2 (CPSQ2). Identifiers: Orphanet 210141, MedGen C2752061, MONDO:0013033, OMIM 612900.

Allele frequency attached by ClinVar (database versions not stated): 1000 Genomes Project 0.00040; gnomAD 0.00050 and 0.00056; gnomAD exomes 0.00004 and 0.00011; ESP Exome Variant Server 0.00046; 1000 Genomes Project 30x 0.00031; ExAC 0.00010; TOPMed 0.00045.
gnomAD v4.1: 140 of 1,614,068 alleles (0.0087%); highest among the groups gnomAD compares: African/African-American, 0.17%; no homozygotes.

Submissions (4):

Dasa
Classification: Uncertain significance. Last evaluated: 2025-10-30. Review status: criteria provided, single submitter. Criteria: DASA Assertion Criteria. Collection method: clinical testing. Allele origin: germline.
Comment: NM_015158.5(KANK1):c.3842A>G (p.Glu1281Gly) is a missense variant that results in the substitution of glutamic acid with glycine. This variant is rare in population databases. Computational prediction algorithms are consistent with a deleterious effect. The currently available literature and clinical evidence are not sufficient to establish a definitive association between this variant and the reported condition. Therefore, this variant is classified as a variant of uncertain significance.

Labcorp Genetics (formerly Invitae), Labcorp
Classification: Uncertain significance. Last evaluated: 2025-03-13. Review status: criteria provided, single submitter. Criteria: Invitae Variant Classification Sherloc (09022015). Collection method: clinical testing. Allele origin: germline.
Comment: This sequence change replaces glutamic acid, which is acidic and polar, with glycine, which is neutral and non-polar, at codon 1281 of the KANK1 protein (p.Glu1281Gly). This variant is present in population databases (rs139624364, gnomAD 0.1%), and has an allele count higher than expected for a pathogenic variant. This variant has not been reported in the literature in individuals affected with KANK1-related conditions. ClinVar contains an entry for this variant (Variation ID: 1478897). An algorithm developed to predict the effect of missense changes on protein structure and function (PolyPhen-2) suggests that this variant is likely to be disruptive. In summary, the available evidence is currently insufficient to determine the role of this variant in disease. Therefore, it has been classified as a Variant of Uncertain Significance.

Fulgent Genetics
Classification: Uncertain significance for Cerebral palsy, spastic quadriplegic, 2. Last evaluated: 2022-04-19. Review status: criteria provided, single submitter. Criteria: ACMG Guidelines, 2015. Collection method: clinical testing. Allele origin: unknown.

Dr. Peter K. Rogan Lab, Western University
No classification provided (evidence only). Condition: Colon adenocarcinoma. Review status: no classification provided. Collection method: in vitro. Allele origin: not applicable. Functional consequence: skipped exon. Not counted in ClinVar's aggregate classification.